The following is an entry in ClinVar:

ClinVar aggregate classification (germline): Uncertain significance (1 of 4 stars; one submission).

Conditions:
Congenital myasthenic syndrome 8. Also called: MYASTHENIC SYNDROME, CONGENITAL, DUE TO AGRIN DEFICIENCY; Myasthenic syndrome, congenital, 8, with pre- and postsynaptic defects. Identifiers: Orphanet 590, MedGen C3808739, MONDO:0014052, OMIM 615120.

gnomAD v4.1: 10 of 1,612,626 alleles (0.00062%); highest among the groups gnomAD compares: East Asian, 0.013%; no homozygotes.

Submission:

Neuberg Centre For Genomic Medicine, NCGM
Classification: Uncertain significance for Congenital myasthenic syndrome 8. Last evaluated: 2023-06-22. Review status: criteria provided, single submitter. Criteria: ACMG Guidelines, 2015. Collection method: clinical testing. Allele origin: germline. Inheritance: Autosomal recessive inheritance. Affected: yes.
Comment: The missense c.2627A>T(p.Lys876Met) variant in AGRN gene has not been reported previously as a pathogenic variant nor as a benign variant, to our knowledge. This variant is present with an allele frequency of 0.0004% in gnomAD Exomes. This variant has not been submitted to the ClinVar database. Multiple lines of computational evidence (SIFT - Damaging and MutationTaster - Disease causing) predict damaging effect on protein structure and function for this variant. The reference amino acid at this position in AGRN is predicted as conserved by GERP++ and PhyloP across 100 vertebrates. The amino acid Lys at position 876 is changed to a Met changing protein sequence and it might alter its composition and physico-chemical properties. For these reasons, this variant has been classified as a Variant of Uncertain Significance (VUS). In absence of another reportable variant in AGRN gene, the molecular diagnosis is not confirmed.

NM_198576.4(AGRN):c.2627A>T (p.Lys876Met)

Gene: AGRN (agrin; plus strand). Cytogenetic location: 1p36.33.
Variant type: single nucleotide variant.
Coding change: c.2627A>T on transcript NM_198576.4 (MANE Select); coding-DNA position 2627, A replaced by T.
Protein change: p.Lys876Met; replaces lysine 876 with methionine.
Molecular consequence: missense variant.
Genome position (GRCh38, 1-based): chr1:1,045,823, A>T. VCF-style: chr1-1045823-A-T. GRCh37 (hg19) VCF-style: chr1-981203-A-T.
Other names: c.2627A>T, p.Lys876Met (NM_001305275.2); c.2312A>T, p.Lys771Met (NM_001364727.2); short protein forms K771M, K876M.
Identifiers: ClinVar variation 3731448 (VCV003731448.1).